The following is an entry in ClinVar:

NM_000122.2(ERCC3):c.1944A>C (p.Lys648Asn)

Gene: ERCC3 (ERCC excision repair 3, TFIIH core complex helicase subunit; minus strand). Cytogenetic location: 2q14.3.
Variant type: single nucleotide variant.
Coding change: c.1944A>C on transcript NM_000122.2 (MANE Select); coding-DNA position 1944, A replaced by C.
Protein change: p.Lys648Asn; replaces lysine 648 with asparagine.
Molecular consequence: missense variant.
Genome position (GRCh38, 1-based): chr2:127,271,337, T>G on the plus strand (A>C on the coding strand, the complement: ERCC3 is on the minus strand). VCF-style: chr2-127271337-T-G. GRCh37 (hg19) VCF-style: chr2-128028913-T-G.
Other names: c.1752A>C, p.Lys584Asn (NM_001303416.2, NM_001303418.2); short protein forms K584N, K648N.
Identifiers: ClinVar variation 1713761 (VCV001713761.5), dbSNP rs2104747727, ClinGen allele CA348386980.

ClinVar aggregate classification (germline): Uncertain significance (1 of 4 stars; one submission).

Submission:

Labcorp Genetics (formerly Invitae), Labcorp
Classification: Uncertain significance. Last evaluated: 2024-02-23. Review status: criteria provided, single submitter. Criteria: Invitae Variant Classification Sherloc (09022015). Collection method: clinical testing. Allele origin: germline.
Comment: This sequence change replaces lysine, which is basic and polar, with asparagine, which is neutral and polar, at codon 648 of the ERCC3 protein (p.Lys648Asn). This variant is not present in population databases (gnomAD no frequency). This variant has not been reported in the literature in individuals affected with ERCC3-related conditions. ClinVar contains an entry for this variant (Variation ID: 1713761). An algorithm developed to predict the effect of missense changes on protein structure and function (PolyPhen-2) suggests that this variant is likely to be tolerated. In summary, the available evidence is currently insufficient to determine the role of this variant in disease. Therefore, it has been classified as a Variant of Uncertain Significance.